The following is an entry in ClinVar:

NM_014938.6(MLXIP):c.134G>A (p.Gly45Asp)

Genes: MLXIP (MLX interacting protein; plus strand), LOC130009029 (ATAC-STARR-seq lymphoblastoid silent region 5009; plus strand). Cytogenetic location: 12q24.31.
Variant type: single nucleotide variant.
Coding change: c.134G>A on transcript NM_014938.6 (MANE Select); coding-DNA position 134, G replaced by A.
Protein change: p.Gly45Asp; replaces glycine 45 with aspartic acid.
Molecular consequence: missense variant.
Genome position (GRCh38, 1-based): chr12:122,078,987, G>A. VCF-style: chr12-122078987-G-A. GRCh37 (hg19) VCF-style: chr12-122516893-G-A.
Other names: short protein forms G45D.
Identifiers: ClinVar variation 2484259 (VCV002484259.2), dbSNP rs1952051823, ClinGen allele CA387012025.

ClinVar aggregate classification (germline): Uncertain significance (1 of 4 stars; one submission).

Allele frequency attached by ClinVar (database versions not stated): TOPMed below 0.00001; gnomAD 0.00001.

Submission:

Ambry Genetics
Classification: Uncertain significance. Last evaluated: 2023-02-15. Review status: criteria provided, single submitter. Criteria: Ambry Variant Classification Scheme 2023. Collection method: clinical testing. Allele origin: germline.
Comment: The c.134G>A (p.G45D) alteration is located in exon (coding exon ) of the MLXIP gene. This alteration results from a G to A substitution at nucleotide position 134, causing the glycine (G) at amino acid position 45 to be replaced by an aspartic acid (D). Based on insufficient or conflicting evidence, the clinical significance of this alteration remains unclear.